The following continues an entry in ClinVar:

NM_007294.4(BRCA1):c.3661G>T (p.Glu1221Ter)

ClinVar aggregate classification (germline): Pathogenic. Pathogenic (1).

Submissions 10 to 21 of 21:

Color Diagnostics, LLC DBA Color Health
Classification: Pathogenic for Hereditary cancer-predisposing syndrome. Last evaluated: 2021-11-16. Review status: criteria provided, single submitter. Criteria: ACMG Guidelines, 2015. Collection method: clinical testing. Allele origin: germline. Not counted in ClinVar's aggregate classification.
Comment: This variant changes 1 nucleotide in exon 10 of the BRCA1 gene, creating a premature translation stop signal. This variant is expected to result in an absent or non-functional protein product. This variant has been reported in at least 10 individuals affected with breast, ovarian or pancreatic cancer (PMID: 11733976, 11802209, 15026808, 25452441, 26541979, 30078507, 30093976, 33471991; Leiden Open Variation Database DB-ID BRCA1_001444) and in two dozen families suspected to be affected with hereditary breast and ovarian cancer (PMID: 9150151, 9760198, 29446198). This variant also has been described as a recurrent mutation in individuals affected with breast and ovarian cancer from Belgium (PMID: 15026808). This variant has been identified in 1/251298 chromosomes in the general population by the Genome Aggregation Database (gnomAD). Loss of BRCA1 function is a known mechanism of disease. Based on the available evidence, this variant is classified as Pathogenic.

Revvity Omics, Revvity
Classification: Pathogenic. Last evaluated: 2019-03-05. Review status: criteria provided, single submitter. Criteria: ACMG Guidelines, 2015. Collection method: clinical testing. Allele origin: germline. Not counted in ClinVar's aggregate classification.

Women's Health and Genetics/Laboratory Corporation of America, LabCorp
Classification: Pathogenic for Hereditary breast ovarian cancer syndrome. Last evaluated: 2016-03-28. Review status: criteria provided, single submitter. Criteria: LabCorp Variant Classification Summary - May 2015. Collection method: clinical testing. Allele origin: germline. Not counted in ClinVar's aggregate classification.
Comment: Variant summary: This c.3661G>T variant results in a premature termination codon in exon 10, predicted to cause a truncated or absent BRCA1 protein. Heterozygous loss-of-function due to mutations in this gene is an established disease mechanism in HBOC or HBOC-related cancers. Truncations downstream of this position have been classified as pathogenic by our laboratory (e.g. p.Glu1373X, p.Gln1395X, p.Tyr1853X, etc.). This variant was found in 1/121338 control chromosomes from the large and broad populations of ExAC at a frequency of 0.0000082, which does not exceed the maximal expected frequency of a pathogenic allele (0.0010005) in this gene. This variant has been reported in several patients with HBOC in literature and clinical databases. Multiple clinical labs as well as reputable databases have classified this variant as pathogenic. Taken together, this variant has been classified as a Disease Variant or Pathogenic.

Consortium of Investigators of Modifiers of BRCA1/2 (CIMBA), c/o University of Cambridge
Classification: Pathogenic for Breast-ovarian cancer, familial, susceptibility to, 1. Last evaluated: 2015-10-02. Review status: criteria provided, single submitter. Criteria: CIMBA Mutation Classification guidelines May 2016. Collection method: clinical testing. Allele origin: germline. Not counted in ClinVar's aggregate classification.

CSER _CC_NCGL, University of Washington
Classification: Pathogenic for Breast cancer. Last evaluated: 2014-06-01. Review status: no assertion criteria provided. Collection method: research. Allele origin: germline. Inheritance: Autosomal dominant inheritance. Study: ESP 6500 variant annotation. Not counted in ClinVar's aggregate classification.
Comment: Variants classified for the Actionable exomic incidental findings in 6503 participants: challenges of variant classification manuscript

Research Molecular Genetics Laboratory, Women's College Hospital, University of Toronto
Classification: Pathogenic for Hereditary breast ovarian cancer syndrome. Last evaluated: 2014-01-31. Review status: no assertion criteria provided. Collection method: research. Allele origin: germline. Affected: yes. Study: The Canadian Open Genetics Repository (COGR). Not counted in ClinVar's aggregate classification.

Foulkes Cancer Genetics LDI, Lady Davis Institute for Medical Research
Classification: Pathogenic for Breast and/or ovarian cancer. Last evaluated: 2013-08-26. Review status: no assertion criteria provided. Collection method: clinical testing. Allele origin: germline. Study: The Canadian Open Genetics Repository (COGR). Not counted in ClinVar's aggregate classification.

Sharing Clinical Reports Project (SCRP)
Classification: Pathogenic for Breast-ovarian cancer, familial 1. Last evaluated: 2013-01-17. Review status: no assertion criteria provided. Collection method: clinical testing. Allele origin: germline. Not counted in ClinVar's aggregate classification.

Breast Cancer Information Core (BIC) (BRCA1)
Classification: Pathogenic for Breast-ovarian cancer, familial 1. Last evaluated: 1999-12-30. Review status: no assertion criteria provided. Collection method: clinical testing. Allele origin: germline. Affected: yes. Observed: 10 variant alleles. Not counted in ClinVar's aggregate classification.

Department of Pathology and Laboratory Medicine, Sinai Health System
Classification: Pathogenic for Malignant tumor of breast. Review status: no assertion criteria provided. Collection method: clinical testing. Allele origin: unknown. Affected: yes. Study: The Canadian Open Genetics Repository (COGR). Not counted in ClinVar's aggregate classification.
Comment: The p.Glu1221X variant has been previously reported in the literature in at least 8 of 4008 chromosomes from individuals with hereditary breast and ovarian cancer (Baeyens 2004, Claes 2004, Judkins 2005, Meindl 2002 , Peelen 1997). It has also been observed in public databases including BIC (9x as clinically important) and in the UMD (1x). The variant was also reported in dbSNP and in the exome variant server 1 in 8599 eurapean alleles and may be a low frequency pathogenic variant (rs80357310). The p.Glu1221X variant leads to a premature stop codon at position 1221, which is predicted to lead to a truncated or absent protein and loss of function. Loss of function variants of the BRCA1 gene are a known mechanism of mutation in hereditary breast and ovarian cancer. In summary, based on the above information, this variant is classified as pathogenic.

Diagnostic Laboratory, Department of Genetics, University Medical Center Groningen
Classification: Pathogenic. Review status: no assertion criteria provided. Collection method: clinical testing. Allele origin: germline. Affected: yes. Study: VKGL Data-share Consensus. Not counted in ClinVar's aggregate classification.

Joint Genome Diagnostic Labs from Nijmegen and Maastricht, Radboudumc and MUMC+
Classification: Pathogenic. Review status: no assertion criteria provided. Collection method: clinical testing. Allele origin: germline. Affected: yes. Study: VKGL Data-share Consensus. Not counted in ClinVar's aggregate classification.

Literature cited by the submitters: PubMed 20104584 (cited by Labcorp Genetics (formerly Invitae), Labcorp); PubMed 9150151 (cited by 4 submitters); PubMed 21553119 (cited by Labcorp Genetics (formerly Invitae), Labcorp); PubMed 25452441 (cited by 3 submitters); PubMed 26541979 (cited by 3 submitters); PubMed 15026808 (cited by Ambry Genetics and Color Diagnostics, LLC DBA Color Health); PubMed 23199084 (cited by Ambry Genetics); PubMed 25637381 (cited by Ambry Genetics); PubMed 28767289 (cited by Ambry Genetics); PubMed 29309945 (cited by Ambry Genetics); PubMed 29446198 (cited by Ambry Genetics and Color Diagnostics, LLC DBA Color Health); PubMed 30078507 (cited by Ambry Genetics and Color Diagnostics, LLC DBA Color Health); PubMed 30093976 (cited by Ambry Genetics and Color Diagnostics, LLC DBA Color Health); PubMed 9760198 (cited by Color Diagnostics, LLC DBA Color Health and Women's Health and Genetics/Laboratory Corporation of America, LabCorp); PubMed 11733976 (cited by Color Diagnostics, LLC DBA Color Health and Women's Health and Genetics/Laboratory Corporation of America, LabCorp); PubMed 11802209 (cited by Color Diagnostics, LLC DBA Color Health and Women's Health and Genetics/Laboratory Corporation of America, LabCorp); PubMed 33471991 (cited by Color Diagnostics, LLC DBA Color Health); PubMed 16267036 (cited by Women's Health and Genetics/Laboratory Corporation of America, LabCorp).